The following is an entry in ClinVar:

ClinVar aggregate classification (germline): Uncertain significance (1 of 4 stars; one submission).

Conditions:
Inborn genetic diseases. Identifiers: MedGen C0950123, MeSH D030342.

Submission:

Ambry Genetics
Classification: Uncertain significance for Inborn genetic diseases. Last evaluated: 2022-01-18. Review status: criteria provided, single submitter. Criteria: Ambry Variant Classification Scheme 2023. Collection method: clinical testing. Allele origin: germline.
Comment: The p.L434F variant (also known as c.1300C>T), located in coding exon 10 of the ACD gene, results from a C to T substitution at nucleotide position 1300. The leucine at codon 434 is replaced by phenylalanine, an amino acid with highly similar properties. This amino acid position is conserved. In addition, this alteration is predicted to be tolerated by in silico analysis. Since supporting evidence is limited at this time, the clinical significance of this alteration remains unclear.

NM_001082486.2(ACD):c.1042C>T (p.Leu348Phe)

Gene: ACD (ACD shelterin complex subunit and telomerase recruitment factor; minus strand). Cytogenetic location: 16q22.1.
Variant type: single nucleotide variant.
Coding change: c.1042C>T on transcript NM_001082486.2 (MANE Select); coding-DNA position 1042, C replaced by T.
Protein change: p.Leu348Phe; replaces leucine 348 with phenylalanine.
Molecular consequence: missense variant.
Genome position (GRCh38, 1-based): chr16:67,658,150, G>A on the plus strand (C>T on the coding strand, the complement: ACD is on the minus strand). VCF-style: chr16-67658150-G-A. GRCh37 (hg19) VCF-style: chr16-67692053-G-A.
Other names: c.955C>T, p.Leu319Phe (NM_001410884.1); c.1033C>T, p.Leu345Phe (NM_022914.3); short protein forms L345F, L319F, L348F.
Identifiers: ClinVar variation 1769399 (VCV001769399.2), dbSNP rs2543598873, ClinGen allele CA396352391.
Genomic context (GRCh38, chr16:67,658,150, plus strand): 5'-GTTTCTGGGGCCTGGTCACAAGAGCCTGGTGTGGACTGGGGACATGGCTACGGGGTGAGA[G>A]ACTGGGAGTGCAGCTCTGGAGTGGGGAGCTGGGGGTACGGCTGGCGTGTGGGGACCTGGG-3'
Protein context (NP_001075955.2, residues 338-358): SSPLQSCTPS[Leu348Phe]SPRSHVPSPH